The following is an entry in ClinVar:

ClinVar aggregate classification (germline): Uncertain significance. Review status: criteria provided, multiple submitters, no conflicts (2 of 4 stars). 2 submissions from 2 submitters: Uncertain significance (2). Last evaluated 2024-09-23.

Conditions:
ZTTK syndrome (ZTTKS). Also called: Zhu-Tokita-Takenouchi-Kim Syndrome; ZTTK MULTIPLE CONGENITAL ANOMALIES-MENTAL RETARDATION SYNDROME. Identifiers: Orphanet 500150, MedGen C4310696, MONDO:0014936, OMIM 617140.

Submissions (2):

Victorian Clinical Genetics Services, Murdoch Childrens Research Institute
Classification: Uncertain significance for ZTTK syndrome. Last evaluated: 2024-09-23. Review status: criteria provided, single submitter. Criteria: ACMG Guidelines, 2015. Collection method: clinical testing. Allele origin: germline. Inheritance: Autosomal dominant inheritance. Affected: yes.
Comment: Based on the classification scheme VCGS_Germline_v1.3.4, this variant is classified as VUS-3B. Following criteria are met: 0102 - Loss of function is a known mechanism of disease in this gene and is associated with ZTTK syndrome (MIM#617140). (I) 0107 - This gene is associated with autosomal dominant disease. (I) 0216 - In-frame insertion/deletion in a non-repetitive region that has low conservation. (SP) 0251 - This variant is heterozygous. (I) 0301 - Variant is absent from gnomAD (both v2 and v3). (SP) 0309 - An alternative inframe deletion at the same position has been observed in gnomAD (v2, v3) (1 heterozygote, 0 homozygotes). (I) 0604 - Variant is not located in an established domain, motif, hotspot or informative constraint region. (I) 0705 - No comparable inframe variants have previous evidence for pathogenicity. (I) 0807 - This variant has no previous evidence of pathogenicity. (I) 0905 - No published segregation evidence has been identified for this variant. (I) 1007 - No published functional evidence has been identified for this variant. (I) 1208 - Inheritance information for this variant is not currently available in this individual. (I) Legend: (SP) - Supporting pathogenic, (I) - Information, (SB) - Supporting benign

GeneDx
Classification: Uncertain significance. Last evaluated: 2024-05-08. Review status: criteria provided, single submitter. Criteria: GeneDx Variant Classification Process June 2021. Collection method: clinical testing. Allele origin: germline. Affected: yes.
Comment: Not observed at significant frequency in large population cohorts (gnomAD); In-frame deletion of 6 amino acids and in-frame insertion of 4 amino acids in a non-repeat region; In silico analysis indicates that this variant does not alter protein structure/function; Has not been previously published as pathogenic or benign to our knowledge

NM_138927.4(SON):c.4518_4536delinsTGCATGCAGCATT (p.Leu1507_Glu1512delinsAlaCysSerIle)

Gene: SON (SON DNA and RNA binding protein; plus strand). Cytogenetic location: 21q22.11.
Variant type: Indel.
Coding change: c.4518_4536delinsTGCATGCAGCATT on transcript NM_138927.4 (MANE Select); coding-DNA positions 4518 to 4536, ATTGCATTCAGGTGAAGAA replaced by TGCATGCAGCATT.
Protein change: p.Leu1507_Glu1512delinsAlaCysSerIle.
Molecular consequence: inframe indel. On other transcripts: non-coding transcript variant (1), intron variant (1).
Genome position (GRCh38, 1-based): chr21:33,553,749-33,553,767, ATTGCATTCAGGTGAAGAA replaced by TGCATGCAGCATT. VCF-style: chr21-33553749-ATTGCATTCAGGTGAAGAA-TGCATGCAGCATT. GRCh37 (hg19) VCF-style: chr21-34926055-ATTGCATTCAGGTGAAGAA-TGCATGCAGCATT.
Other names: c.4518_4536delinsTGCATGCAGCATT, p.Leu1507_Glu1512delinsAlaCysSerIle (NM_001291411.2, NM_032195.3); c.245-3407_245-3389delinsTGCATGCAGCATT (NM_001291412.3).
Identifiers: ClinVar variation 3254950 (VCV003254950.3), dbSNP rs2517382107.